The following is an entry in ClinVar:

ClinVar aggregate classification (germline): Uncertain significance (1 of 4 stars; one submission).

Conditions:
Gorlin syndrome. Also called: Nevoid Basal Cell Carcinoma Syndrome; Basal cell nevus syndrome. Identifiers: Orphanet 377, MedGen C0004779, MONDO:0007187.

Submission:

Labcorp Genetics (formerly Invitae), Labcorp
Classification: Uncertain significance for Gorlin syndrome. Last evaluated: 2025-06-09. Review status: criteria provided, single submitter. Criteria: Invitae Variant Classification Sherloc (09022015). Collection method: clinical testing. Allele origin: germline.
Comment: This sequence change is expected to alter the c-terminus of the PTCH1 protein (p.His1417Serfs*36). While this is not anticipated to result in nonsense mediated decay, it is expected to disrupt the last 31 amino acid(s) of the PTCH1 protein and extend the protein by 4 additional amino acid residues. This variant is not present in population databases (gnomAD no frequency). This variant has not been reported in the literature in individuals affected with PTCH1-related conditions. ClinVar contains an entry for this variant (Variation ID: 2692910). Experimental studies and prediction algorithms are not available or were not evaluated, and the functional significance of this variant is currently unknown. In summary, the available evidence is currently insufficient to determine the role of this variant in disease. Therefore, it has been classified as a Variant of Uncertain Significance.

NM_000264.5(PTCH1):c.4246_4247dup (p.His1417fs)

Gene: PTCH1 (patched 1; minus strand). Cytogenetic location: 9q22.32.
Variant type: Duplication.
Coding change: c.4246_4247dup on transcript NM_000264.5 (MANE Select); coding-DNA positions 4246 to 4247, 2 bases duplicated (TT; older notation c.4246_4247dupTT).
Protein change: p.His1417fs; shifts the reading frame from histidine 1417.
Molecular consequence: frameshift variant. On other transcripts: non-coding transcript variant (1).
Genome position (GRCh38, 1-based): chr9:95,447,009-95,447,010, AA duplicated on the plus strand (TT on the coding strand, the reverse complement: PTCH1 is on the minus strand); duplicating any 2 consecutive bases within chr9:95,447,009-95,447,011 gives the same sequence; the c. name uses the placement nearest the transcript's 3' end. VCF-style (leftmost placement, unchanged base first): chr9-95447008-G-GAA. GRCh37 (hg19) VCF-style: chr9-98209290-G-GAA.
Other names: c.4048_4049dup, p.His1351fs (NM_001083602.3); c.4243_4244dup, p.His1416fs (NM_001083603.3); c.3793_3794dup, p.His1266fs (NM_001083604.3, NM_001083605.3, NM_001083606.3 and 1 more transcripts); c.4090_4091dup, p.His1365fs (NM_001354918.2); short protein forms H1416fs, H1365fs, H1266fs, H1351fs, H1417fs.
Identifiers: ClinVar variation 2692910 (VCV002692910.3), dbSNP rs1463884533, ClinGen allele CA868795609.